The following is an entry in ClinVar:

ClinVar aggregate classification (germline): Conflicting classifications of pathogenicity. Review status: criteria provided, conflicting classifications (1 of 4 stars). 3 submissions from 3 submitters: Likely pathogenic (2); Uncertain significance (1). Last evaluated 2021-02-24.

Conditions:
Autosomal dominant Charcot-Marie-Tooth disease type 2W. Also called: CHARCOT-MARIE-TOOTH NEUROPATHY, TYPE 2W; CHARCOT-MARIE-TOOTH DISEASE, AXONAL, AUTOSOMAL DOMINANT, TYPE 2W; Charcot-Marie-Tooth disease, axonal, type 2w. Identifiers: Orphanet 488333, MedGen C5567486, MONDO:0014711, OMIM 616625.
Usher syndrome type 3B. Also called: USHER SYNDROME, TYPE IIIB. Identifiers: MedGen C3281066, MONDO:0013788, OMIM 614504.

gnomAD v4.1: 2 of 1,598,606 alleles (0.00013%); highest among the groups gnomAD compares: Non-Finnish European, 0.00017%; no homozygotes.

Submissions (3):

Labcorp Genetics (formerly Invitae), Labcorp
Classification: Uncertain significance for Usher syndrome type 3B. Last evaluated: 2021-02-24. Review status: criteria provided, single submitter. Criteria: Invitae Variant Classification Sherloc (09022015). Collection method: clinical testing. Allele origin: germline.
Comment: In summary, the available evidence is currently insufficient to determine the role of this variant in disease. Therefore, it has been classified as a Variant of Uncertain Significance. The current clinical and genetic evidence is not sufficient to establish whether loss-of-function variants in HARS cause disease. Algorithms developed to predict the effect of sequence changes on RNA splicing suggest that this variant may disrupt the consensus splice site, but this prediction has not been confirmed by published transcriptional studies. This variant has not been reported in the literature in individuals with HARS-related disease. This variant is not present in population databases (ExAC no frequency). This sequence change affects a donor splice site in intron 1 of the HARS gene. It is expected to disrupt RNA splicing and likely results in an absent or disrupted protein product.

CeGaT Center for Human Genetics Tuebingen
Classification: Likely pathogenic. Last evaluated: 2017-11-01. Review status: criteria provided, single submitter. Criteria: CeGaT Center For Human Genetics Tuebingen Variant Classification Criteria Version 2. Collection method: clinical testing. Allele origin: germline. Affected: yes. Observed: 1 variant allele.

Mayo Clinic Laboratories, Mayo Clinic
Classification: Likely pathogenic for Usher syndrome type 3B; Autosomal dominant Charcot-Marie-Tooth disease type 2W. Last evaluated: 2016-12-15. Review status: criteria provided, single submitter. Criteria: ACMG Guidelines, 2015. Collection method: clinical testing. Allele origin: maternal.

NM_002109.6(HARS1):c.90+1G>C

Genes: HARS1 (histidyl-tRNA synthetase 1; minus strand), LOC129994848 (ATAC-STARR-seq lymphoblastoid active region 23285; plus strand). Cytogenetic location: 5q31.3.
Variant type: single nucleotide variant.
Coding change: c.90+1G>C on transcript NM_002109.6 (MANE Select); the canonical splice donor site of the intron after coding-DNA position 90, G replaced by C.
Molecular consequence: splice donor variant. On other transcripts: intron variant (1).
Genome position (GRCh38, 1-based): chr5:140,691,214, C>G on the plus strand (G>C on the coding strand, the complement: HARS1 is on the minus strand). VCF-style: chr5-140691214-C-G. GRCh37 (hg19) VCF-style: chr5-140070799-C-G.
Other names: c.3+88G>C (NM_001289094.2); c.90+1G>C (NM_001289093.2, NM_001258042.3, NM_001258040.3 and 2 more transcripts).
Identifiers: ClinVar variation 546982 (VCV000546982.53), dbSNP rs1554109203, ClinGen allele CA361191603.